The following is an entry in ClinVar:

NM_000214.3(JAG1):c.397A>T (p.Thr133Ser)

Gene: JAG1 (jagged canonical Notch ligand 1; minus strand). Cytogenetic location: 20p12.2.
Variant type: single nucleotide variant.
Coding change: c.397A>T on transcript NM_000214.3 (MANE Select); coding-DNA position 397, A replaced by T.
Protein change: p.Thr133Ser; replaces threonine 133 with serine.
Molecular consequence: missense variant.
Genome position (GRCh38, 1-based): chr20:10,664,005, T>A on the plus strand (A>T on the coding strand, the complement: JAG1 is on the minus strand). VCF-style: chr20-10664005-T-A. GRCh37 (hg19) VCF-style: chr20-10644653-T-A.
Other names: short protein forms T133S.
Identifiers: ClinVar variation 3573292 (VCV003573292.4).

ClinVar aggregate classification (germline): Uncertain significance (1 of 4 stars; one submission).

Conditions:
Alagille syndrome due to a JAG1 point mutation. Also called: HEPATIC DUCTULAR HYPOPLASIA, SYNDROMATIC; Alagille Syndrome 1; JAG1-Related Alagille Syndrome. Identifiers: Orphanet 261619, Orphanet 52, MedGen C1956125, MONDO:0016862, OMIM 118450.

Submissions (2):

Labcorp Genetics (formerly Invitae), Labcorp
Classification: Uncertain significance for Alagille syndrome due to a JAG1 point mutation. Last evaluated: 2024-03-16. Review status: criteria provided, single submitter. Criteria: Invitae Variant Classification Sherloc (09022015). Collection method: clinical testing. Allele origin: germline.
Comment: This sequence change replaces threonine, which is neutral and polar, with serine, which is neutral and polar, at codon 133 of the JAG1 protein (p.Thr133Ser). This variant is not present in population databases (gnomAD no frequency). This variant has not been reported in the literature in individuals affected with JAG1-related conditions. Advanced modeling of protein sequence and biophysical properties (such as structural, functional, and spatial information, amino acid conservation, physicochemical variation, residue mobility, and thermodynamic stability) performed at Invitae indicates that this missense variant is not expected to disrupt JAG1 protein function with a negative predictive value of 80%. In summary, the available evidence is currently insufficient to determine the role of this variant in disease. Therefore, it has been classified as a Variant of Uncertain Significance.

Gilbert/Spinner Lab, Children's Hospital of Philadelphia
No classification provided (evidence only). Condition: Alagille syndrome. Review status: no classification provided. Collection method: research. Allele origin: not applicable. Functional consequence: functionally_abnormal. Not counted in ClinVar's aggregate classification.
ClinVar note: "not provided" was previously submitted as the classification for the variant. However, the classification appeared to be based only on an observation of functional data so it was converted to no classification on 2025-07-30.